The following is an entry in ClinVar:

NM_020247.5(COQ8A):c.1391G>A (p.Arg464Gln)

Gene: COQ8A (coenzyme Q8A; plus strand). Cytogenetic location: 1q42.13.
Variant type: single nucleotide variant.
Coding change: c.1391G>A on transcript NM_020247.5 (MANE Select); coding-DNA position 1391, G replaced by A.
Protein change: p.Arg464Gln; replaces arginine 464 with glutamine.
Molecular consequence: missense variant.
Genome position (GRCh38, 1-based): chr1:226,984,228, G>A. VCF-style: chr1-226984228-G-A. GRCh37 (hg19) VCF-style: chr1-227171929-G-A.
Other names: short protein forms R464Q.
Identifiers: ClinVar variation 3571950 (VCV003571950.1).

ClinVar aggregate classification (germline): Uncertain significance (1 of 4 stars; one submission).

gnomAD v4.1: 54 of 1,613,492 alleles (0.0033%); highest among the groups gnomAD compares: East Asian, 0.0067%; no homozygotes.

Submission:

Athena Diagnostics
Classification: Uncertain significance. Last evaluated: 2024-04-16. Review status: criteria provided, single submitter. Criteria: Athena Diagnostics Criteria. Collection method: clinical testing. Allele origin: unknown.
Comment: Available data are insufficient to determine the clinical significance of the variant at this time. The frequency of this variant in the general population is uninformative in assessment of its pathogenicity. Computational tools disagree on the variant's effect on normal protein function.

Literature cited by the submitters: PubMed 29255295; PubMed 32958805.